The following is an entry in ClinVar:

NM_002838.5(PTPRC):c.1727C>T (p.Ser576Phe)

Gene: PTPRC (protein tyrosine phosphatase receptor type C; plus strand). Cytogenetic location: 1q32.1.
Variant type: single nucleotide variant.
Coding change: c.1727C>T on transcript NM_002838.5 (MANE Select); coding-DNA position 1727, C replaced by T.
Protein change: p.Ser576Phe; replaces serine 576 with phenylalanine.
Molecular consequence: missense variant.
Genome position (GRCh38, 1-based): chr1:198,728,346, C>T. VCF-style: chr1-198728346-C-T. GRCh37 (hg19) VCF-style: chr1-198697475-C-T.
Other names: c.1244C>T, p.Ser415Phe (NM_080921.4); short protein forms S415F, S576F.
Identifiers: ClinVar variation 950764 (VCV000950764.9), dbSNP rs1654236550, ClinGen allele CA344041452.

ClinVar aggregate classification (germline): Uncertain significance (1 of 4 stars; one submission).

Conditions:
Immunodeficiency 104. Also called: SCID, AUTOSOMAL RECESSIVE, T CELL-NEGATIVE, B CELL-POSITIVE, NK CELL-POSITIVE; Severe Combined Immune Deficiency, Autosomal Recessive, TCell -Negative, B Cell-Positive, NK Cell-Positive, IL7R-Related; IMMUNODEFICIENCY 104, SEVERE COMBINED; Severe combined immunodeficiency, autosomal recessive, T cell-negative, B cell-positive, NK cell-positive. Identifiers: MedGen C5676890, MONDO:0012163, OMIM 608971.

Allele frequency attached by ClinVar (database versions not stated): TOPMed below 0.00001.

Submission:

Labcorp Genetics (formerly Invitae), Labcorp
Classification: Uncertain significance for Immunodeficiency 104. Last evaluated: 2019-04-24. Review status: criteria provided, single submitter. Criteria: Invitae Variant Classification Sherloc (09022015). Collection method: clinical testing. Allele origin: germline.
Comment: This sequence change replaces serine with phenylalanine at codon 576 of the PTPRC protein (p.Ser576Phe). The serine residue is highly conserved and there is a large physicochemical difference between serine and phenylalanine. In summary, the available evidence is currently insufficient to determine the role of this variant in disease. Therefore, it has been classified as a Variant of Uncertain Significance. Algorithms developed to predict the effect of missense changes on protein structure and function are either unavailable or do not agree on the potential impact of this missense change (SIFT: "Deleterious"; PolyPhen-2: "Benign"; Align-GVGD: "Class C15"). This variant has not been reported in the literature in individuals with PTPRC-related conditions. This variant is not present in population databases (ExAC no frequency).